The following is an entry in ClinVar:

NM_000090.4(COL3A1):c.129T>C (p.Asp43=)

Gene: COL3A1 (collagen type III alpha 1 chain; plus strand). Cytogenetic location: 2q32.2.
Variant type: single nucleotide variant.
Coding change: c.129T>C on transcript NM_000090.4 (MANE Select); coding-DNA position 129, T replaced by C.
Protein change: p.Asp43=; no amino-acid change (aspartic acid 43 retained).
Molecular consequence: synonymous variant.
Genome position (GRCh38, 1-based): chr2:188,984,809, T>C. VCF-style: chr2-188984809-T-C. GRCh37 (hg19) VCF-style: chr2-189849535-T-C.
Other names: c.129T>C (NM_000090.3).
Identifiers: ClinVar variation 1156087 (VCV001156087.11), dbSNP rs774591764, ClinGen allele CA074127.

ClinVar aggregate classification (germline): Likely benign. Review status: criteria provided, multiple submitters, no conflicts (2 of 4 stars). 3 submissions from 3 submitters: Likely benign (3). Last evaluated 2026-06-01.

Conditions:
Familial thoracic aortic aneurysm and aortic dissection (TAAD). Also called: Thoracic aortic aneurysms and dissections. Identifiers: Orphanet 91387, MedGen C4707243, MONDO:0019625.
Ehlers-Danlos syndrome, type 4 (EDSVASC). Also called: Ehlers-Danlos syndrome vascular type; Ehlers Danlos syndrome, ecchymotic type; Ehlers Danlos syndrome, arterial type; Ehlers Danlos syndrome, Sack-Barabas type; Ehlers-Danlos Syndrome Type IV. Identifiers: Orphanet 286, MedGen C0268338, MONDO:0017314, OMIM 130050.

Allele frequency attached by ClinVar (database versions not stated): gnomAD exomes below 0.00001 and 0.00001; ExAC 0.00002.
gnomAD v4.1: 5 of 1,613,228 alleles (0.00031%); highest among the groups gnomAD compares: Non-Finnish European, 0.00042%; no homozygotes.

Submissions (3):

Ambry Genetics
Classification: Likely benign for Familial thoracic aortic aneurysm and aortic dissection. Last evaluated: 2026-06-01. Review status: criteria provided, single submitter. Criteria: Ambry Variant Classification Scheme 2023. Collection method: clinical testing. Allele origin: germline.

Labcorp Genetics (formerly Invitae), Labcorp
Classification: Likely benign for Ehlers-Danlos syndrome, type 4. Last evaluated: 2025-08-16. Review status: criteria provided, single submitter. Criteria: Invitae Variant Classification Sherloc (09022015). Collection method: clinical testing. Allele origin: germline.

All of Us Research Program, National Institutes of Health
Classification: Likely benign for Ehlers-Danlos syndrome, type 4. Last evaluated: 2023-05-31. Review status: criteria provided, single submitter. Criteria: ACMG Guidelines, 2015. Collection method: clinical testing. Allele origin: germline. Inheritance: Autosomal dominant inheritance. Observed: 2 variant alleles, 2 heterozygotes.
Comment: This study involves interpretation of variants in research participants for the purpose of population health screening. Participant phenotype was not available at the time of variant classification. Additional details can be found in publication PMID: 35346344, PMCID: PMC8962531